The following is an entry in ClinVar:

ClinVar aggregate classification (germline): Uncertain significance (1 of 4 stars; one submission).

Allele frequency attached by ClinVar (database versions not stated): gnomAD exomes below 0.00001.
gnomAD v4.1: 4 of 1,613,976 alleles (0.00025%); highest among the groups gnomAD compares: Non-Finnish European, 0.00025%; no homozygotes.

Submission:

Labcorp Genetics (formerly Invitae), Labcorp
Classification: Uncertain significance. Last evaluated: 2022-03-19. Review status: criteria provided, single submitter. Criteria: Invitae Variant Classification Sherloc (09022015). Collection method: clinical testing. Allele origin: germline.
Comment: In summary, the available evidence is currently insufficient to determine the role of this variant in disease. Therefore, it has been classified as a Variant of Uncertain Significance. This sequence change replaces arginine, which is basic and polar, with glutamine, which is neutral and polar, at codon 114 of the PPP2R5D protein (p.Arg114Gln). This variant is not present in population databases (gnomAD no frequency). This variant has not been reported in the literature in individuals affected with PPP2R5D-related conditions. Algorithms developed to predict the effect of missense changes on protein structure and function are either unavailable or do not agree on the potential impact of this missense change (SIFT: "Deleterious"; PolyPhen-2: "Benign"; Align-GVGD: "Class C0").

NM_006245.4(PPP2R5D):c.341G>A (p.Arg114Gln)

Gene: PPP2R5D (protein phosphatase 2 regulatory subunit B'delta; plus strand). Cytogenetic location: 6p21.1.
Variant type: single nucleotide variant.
Coding change: c.341G>A on transcript NM_006245.4 (MANE Select); coding-DNA position 341, G replaced by A.
Protein change: p.Arg114Gln; replaces arginine 114 with glutamine.
Molecular consequence: missense variant. On other transcripts: 5 prime UTR variant (1), intron variant (2).
Genome position (GRCh38, 1-based): chr6:43,006,929, G>A. VCF-style: chr6-43006929-G-A. GRCh37 (hg19) VCF-style: chr6-42974667-G-A.
Other names: c.-113G>A (NM_001270476.2); c.250-5G>A (NM_180976.3); c.28-5G>A (NM_180977.3); short protein forms R114Q.
Identifiers: ClinVar variation 1490560 (VCV001490560.8), dbSNP rs1422741944, ClinGen allele CA364182224.